The following is an entry in ClinVar:

NC_000002.11:g.(?_170359585)_(170361092_?)del

Gene: BBS5 (Bardet-Biedl syndrome 5; plus strand). Cytogenetic location: 2q31.1.
Variant type: Deletion.
Identifiers: ClinVar variation 1459591 (VCV001459591.7).

ClinVar aggregate classification (germline): Pathogenic (1 of 4 stars; one submission).

Conditions:
Bardet-Biedl syndrome (BBS). Identifiers: Orphanet 110, MedGen C0752166, MONDO:0015229.

Submission:

Labcorp Genetics (formerly Invitae), Labcorp
Classification: Pathogenic for Bardet-Biedl syndrome. Last evaluated: 2023-11-05. Review status: criteria provided, single submitter. Criteria: Invitae Variant Classification Sherloc (09022015). Collection method: clinical testing. Allele origin: germline.
Comment: This variant is a gross deletion of the genomic region encompassing exon(s) 10-12 of the BBS5 gene, which includes the termination codon. This deletion extends beyond the assayed region for this gene and therefore may encompass additional genes. While this deletion is not anticipated to lead to nonsense mediated decay, it is expected to alter mRNA translation or result in a truncated protein product. This variant has not been reported in the literature in individuals affected with BBS5-related conditions. This variant disrupts a region of the BBS5 protein in which other variant(s) (p.Gln309Ilefs*14) have been determined to be pathogenic (Invitae). This suggests that this is a clinically significant region of the protein, and that variants that disrupt it are likely to be disease-causing. For these reasons, this variant has been classified as Pathogenic.